The following is an entry in ClinVar:

ClinVar aggregate classification (germline): Pathogenic (1 of 4 stars; one submission).

Submission:

Labcorp Genetics (formerly Invitae), Labcorp
Classification: Pathogenic. Last evaluated: 2022-11-11. Review status: criteria provided, single submitter. Criteria: Invitae Variant Classification Sherloc (09022015). Collection method: clinical testing. Allele origin: unknown.
Comment: For these reasons, this variant has been classified as Pathogenic. A similar copy number variant has been observed in individual(s) with retinal dystrophy (PMID: 29074561). This variant is a gross deletion of the genomic region encompassing exon(s) 25-27 of the CNGB1 gene. This deletion is out-of-frame, and is expected to create a premature termination codon and result in an absent or disrupted protein product. Loss-of-function variants in CNGB1 are known to be pathogenic (PMID: 15557452, 24043777).

Literature cited by the submitters: PubMed 29074561; PubMed 15557452; PubMed 24043777.

NC_000016.9:g.(?_57937706)_(57945799_?)del

Gene: CNGB1 (cyclic nucleotide gated channel subunit beta 1; minus strand). Cytogenetic location: 16q21.
Variant type: Deletion.
Identifiers: ClinVar variation 3243624 (VCV003243624.1).